The following is an entry in ClinVar:

ClinVar aggregate classification (germline): Uncertain significance. Review status: criteria provided, multiple submitters, no conflicts (2 of 4 stars). 2 submissions from 2 submitters: Uncertain significance (2). Last evaluated 2025-01-19.

Allele frequency attached by ClinVar (database versions not stated): gnomAD exomes 0.00002; ExAC 0.00008; ESP Exome Variant Server 0.00008; gnomAD 0.00021; TOPMed 0.00026.
gnomAD v4.1: 60 of 1,613,786 alleles (0.0037%); highest among the groups gnomAD compares: African/African-American, 0.061%; no homozygotes.

Submissions (2):

Ambry Genetics
Classification: Uncertain significance. Last evaluated: 2025-01-19. Review status: criteria provided, single submitter. Criteria: Ambry Variant Classification Scheme 2023. Collection method: clinical testing. Allele origin: germline.

Mayo Clinic Laboratories, Mayo Clinic
Classification: Uncertain significance. Last evaluated: 2022-09-07. Review status: criteria provided, single submitter. Criteria: ACMG Guidelines, 2015. Collection method: clinical testing. Allele origin: germline. Observed: 1 variant allele.
Comment: BS1_supporting

NM_001039876.3(SYNE4):c.1132G>A (p.Gly378Arg)

Gene: SYNE4 (spectrin repeat containing nuclear envelope family member 4; minus strand). Cytogenetic location: 19q13.12.
Variant type: single nucleotide variant.
Coding change: c.1132G>A on transcript NM_001039876.3 (MANE Select); coding-DNA position 1132, G replaced by A.
Protein change: p.Gly378Arg; replaces glycine 378 with arginine.
Molecular consequence: missense variant.
Genome position (GRCh38, 1-based): chr19:36,003,420, C>T on the plus strand (G>A on the coding strand, the complement: SYNE4 is on the minus strand). VCF-style: chr19-36003420-C-T. GRCh37 (hg19) VCF-style: chr19-36494322-C-T.
Other names: p.Gly378Arg; c.793G>A, p.Gly265Arg (NM_001297735.3); c.1132G>A (NM_001039876.1); short protein forms G265R, G378R.
Identifiers: ClinVar variation 2683492 (VCV002683492.2), dbSNP rs375680624, ClinGen allele CA9393742.